The following is an entry in ClinVar:

ClinVar aggregate classification (germline): Uncertain significance (1 of 4 stars; one submission).

Conditions:
Type 2 diabetes mellitus. Also called: Type II diabetes mellitus. Identifiers: MedGen C0011860, MeSH D003924, MONDO:0005148, OMIM 125853, HP:0005978.
Hypoinsulinemic hypoglycemia and body hemihypertrophy. Also called: Hypoinsulinemic hypoglycemia and hemihypertrophy. Identifiers: Orphanet 293964, MedGen C3278384, MONDO:0009416, OMIM 240900.

gnomAD v4.1: 13 of 1,614,200 alleles (0.00081%); highest among the groups gnomAD compares: South Asian, 0.012%; no homozygotes.

Submission:

Labcorp Genetics (formerly Invitae), Labcorp
Classification: Uncertain significance for Hypoinsulinemic hypoglycemia and body hemihypertrophy; Type 2 diabetes mellitus. Last evaluated: 2023-03-21. Review status: criteria provided, single submitter. Criteria: Invitae Variant Classification Sherloc (09022015). Collection method: clinical testing. Allele origin: germline.
Comment: This sequence change replaces arginine, which is basic and polar, with leucine, which is neutral and non-polar, at codon 176 of the AKT2 protein (p.Arg176Leu). This variant is present in population databases (rs764058037, gnomAD 0.01%). This variant has not been reported in the literature in individuals affected with AKT2-related conditions. An algorithm developed to predict the effect of missense changes on protein structure and function (PolyPhen-2) suggests that this variant is likely to be tolerated. In summary, the available evidence is currently insufficient to determine the role of this variant in disease. Therefore, it has been classified as a Variant of Uncertain Significance.

NM_001626.6(AKT2):c.527G>T (p.Arg176Leu)

Gene: AKT2 (AKT serine/threonine kinase 2; minus strand). Cytogenetic location: 19q13.2.
Variant type: single nucleotide variant.
Coding change: c.527G>T on transcript NM_001626.6 (MANE Select); coding-DNA position 527, G replaced by T.
Protein change: p.Arg176Leu; replaces arginine 176 with leucine.
Molecular consequence: missense variant.
Genome position (GRCh38, 1-based): chr19:40,241,984, C>A on the plus strand (G>T on the coding strand, the complement: AKT2 is on the minus strand). VCF-style: chr19-40241984-C-A. GRCh37 (hg19) VCF-style: chr19-40747891-C-A.
Other names: c.341G>T, p.Arg114Leu (NM_001243027.3, NM_001243028.3); c.527G>T, p.Arg176Leu (NM_001330511.1); short protein forms R176L, R114L.
Identifiers: ClinVar variation 2935896 (VCV002935896.3), dbSNP rs764058037, ClinGen allele CA9441858.